The following is an entry in ClinVar:

NM_002439.5(MSH3):c.1686G>A (p.Trp562Ter)

Gene: MSH3 (mutS homolog 3; plus strand). Cytogenetic location: 5q14.1.
Variant type: single nucleotide variant.
Coding change: c.1686G>A on transcript NM_002439.5 (MANE Select); coding-DNA position 1686, G replaced by A.
Protein change: p.Trp562Ter; replaces tryptophan 562 with a stop codon.
Molecular consequence: nonsense.
Genome position (GRCh38, 1-based): chr5:80,744,538, G>A. VCF-style: chr5-80744538-G-A. GRCh37 (hg19) VCF-style: chr5-80040357-G-A.
Other names: c.1686G>A (NM_002439.4, NM_002439.3); short protein forms W562*.
Identifiers: ClinVar variation 1071655 (VCV001071655.10), dbSNP rs1395288001, ClinGen allele CA360274688.

ClinVar aggregate classification (germline): Pathogenic/Likely pathogenic. Review status: criteria provided, multiple submitters, no conflicts (2 of 4 stars). 5 submissions from 5 submitters: Pathogenic (3); Likely pathogenic (2). Last evaluated 2026-01-22.

Conditions:
Familial adenomatous polyposis 4 (FAP4). Also called: MSH3-related attenuated familial adenomatous polyposis. Identifiers: Orphanet 480536, MedGen C4310719, MONDO:0044300, OMIM 617100.
Hereditary cancer-predisposing syndrome. Also called: Tumor predisposition; Hereditary neoplastic syndrome; Neoplastic Syndromes, Hereditary; Hereditary Cancer Syndrome. Identifiers: Orphanet 140162, MedGen C0027672, MeSH D009386, MONDO:0015356.
Endometrial carcinoma. Also called: Endometrial carcinoma, somatic. Identifiers: MedGen C0476089, MONDO:0002447, OMIM 608089, HP:0012114.

Allele frequency attached by ClinVar (database versions not stated): gnomAD exomes below 0.00001.
gnomAD v4.1: 1 of 1,613,762 alleles (0.000062%); highest among the groups gnomAD compares: Admixed American, 0.0017%; no homozygotes.

Submissions (5):

Labcorp Genetics (formerly Invitae), Labcorp
Classification: Pathogenic. Last evaluated: 2026-01-22. Review status: criteria provided, single submitter. Criteria: Invitae Variant Classification Sherloc (09022015). Collection method: clinical testing. Allele origin: germline.
Comment: This sequence change creates a premature translational stop signal (p.Trp562*) in the MSH3 gene. It is expected to result in an absent or disrupted protein product. Loss-of-function variants in MSH3 are known to be pathogenic (PMID: 27476653, 37402566). This variant is present in population databases (no rsID available, gnomAD 0.003%). This variant has not been reported in the literature in individuals affected with MSH3-related conditions. ClinVar contains an entry for this variant (Variation ID: 1071655). For these reasons, this variant has been classified as Pathogenic.

Ambry Genetics
Classification: Pathogenic for Hereditary cancer-predisposing syndrome. Last evaluated: 2024-11-05. Review status: criteria provided, single submitter. Criteria: Ambry Variant Classification Scheme 2023. Collection method: clinical testing. Allele origin: germline.
Comment: The p.W562* pathogenic mutation (also known as c.1686G>A), located in coding exon 12 of the MSH3 gene, results from a G to A substitution at nucleotide position 1686. This changes the amino acid from a tryptophan to a stop codon within coding exon 12. This variant is considered to be rare based on population cohorts in the Genome Aggregation Database (gnomAD). This alteration is expected to result in loss of function by premature protein truncation or nonsense-mediated mRNA decay. As such, this alteration is interpreted as a disease-causing mutation.

Myriad Genetics, Inc.
Classification: Pathogenic for Familial adenomatous polyposis 4. Last evaluated: 2023-08-30. Review status: criteria provided, single submitter. Criteria: Myriad Autosomal Dominant, Autosomal Recessive and X-Linked Classification Criteria (2023). Collection method: clinical testing. Allele origin: unknown.
Comment: This variant is considered pathogenic. This variant creates a termination codon and is predicted to result in premature protein truncation.

Baylor Genetics
Classification: Likely pathogenic for Endometrial carcinoma. Last evaluated: 2023-08-20. Review status: criteria provided, single submitter. Criteria: ACMG Guidelines, 2015. Collection method: clinical testing. Allele origin: unknown.

Quest Diagnostics Nichols Institute San Juan Capistrano
Classification: Likely pathogenic. Last evaluated: 2022-12-03. Review status: criteria provided, single submitter. Criteria: Quest Diagnostics criteria. Collection method: clinical testing. Allele origin: unknown.
Comment: This nonsense variant is predicted to cause the premature termination of MSH3 protein synthesis. The variant has not been reported in individuals with MSH3-related diseases in the published literature. The frequency of this variant in the general population, 0.000004 (1/250564 chromosomes), is consistent with pathogenicity. Based on the available information, this variant is classified as likely pathogenic.

Literature cited by the submitters: PubMed 27476653 (cited by Labcorp Genetics (formerly Invitae), Labcorp); PubMed 37402566 (cited by Labcorp Genetics (formerly Invitae), Labcorp).